The following is an entry in ClinVar:

NM_000939.4(POMC):c.207_221del (p.Leu70_Pro74del)

Gene: POMC (proopiomelanocortin; minus strand). Cytogenetic location: 2p23.3.
Variant type: Deletion.
Coding change: c.207_221del on transcript NM_000939.4 (MANE Select); coding-DNA positions 207 to 221, 15 bases deleted (TCTGACCGAGAACCC).
Protein change: p.Leu70_Pro74del.
Molecular consequence: inframe deletion.
Genome position (GRCh38, 1-based): chr2:25,161,664-25,161,678, GGGTTCTCGGTCAGA deleted on the plus strand (TCTGACCGAGAACCC on the coding strand, the reverse complement: POMC is on the minus strand); deleting any 15 consecutive bases within chr2:25,161,664-25,161,680 gives the same sequence; the c. name uses the placement nearest the transcript's 3' end. VCF-style (leftmost placement, unchanged base first): chr2-25161663-GGGGTTCTCGGTCAGA-G. GRCh37 (hg19) VCF-style: chr2-25384532-GGGGTTCTCGGTCAGA-G.
Other names: c.207_221del, p.Leu70_Pro74del (NM_001035256.3, NM_001319204.2, NM_001319205.2).
Identifiers: ClinVar variation 5001521 (VCV005001521.1).

ClinVar aggregate classification (germline): Uncertain significance (1 of 4 stars; one submission).

Conditions:
POMC-related disorder. Also called: POMC-related disorders; POMC-related condition.

Submission:

PreventionGenetics, part of Exact Sciences
Classification: Uncertain significance for POMC-related condition. Last evaluated: 2024-12-20. Review status: criteria provided, single submitter. Criteria: ACMG Guidelines, 2015. Collection method: clinical testing. Allele origin: germline.
Comment: The POMC c.207_221del15 variant is predicted to result in an in-frame deletion (p.Leu70_Pro74del). To our knowledge, this variant has not been reported in the literature or in a large population database (gnomAD), indicating this variant is rare. At this time, the clinical significance of this variant is uncertain due to the absence of conclusive functional and genetic evidence.